The following is an entry in ClinVar:

NM_000875.5(IGF1R):c.676G>A (p.Glu226Lys)

Gene: IGF1R (insulin like growth factor 1 receptor; plus strand). Cytogenetic location: 15q26.3.
Variant type: single nucleotide variant.
Coding change: c.676G>A on transcript NM_000875.5 (MANE Select); coding-DNA position 676, G replaced by A.
Protein change: p.Glu226Lys; replaces glutamic acid 226 with lysine.
Molecular consequence: missense variant.
Genome position (GRCh38, 1-based): chr15:98,891,360, G>A. VCF-style: chr15-98891360-G-A. GRCh37 (hg19) VCF-style: chr15-99434589-G-A.
Other names: c.676G>A, p.Glu226Lys (NM_001291858.2); short protein forms E226K.
Identifiers: ClinVar variation 3616628 (VCV003616628.2).

ClinVar aggregate classification (germline): Uncertain significance (1 of 4 stars; one submission).

gnomAD v4.1: 22 of 1,608,800 alleles (0.0014%); highest among the groups gnomAD compares: East Asian, 0.0089%; no homozygotes.

Submission:

Labcorp Genetics (formerly Invitae), Labcorp
Classification: Uncertain significance. Last evaluated: 2024-05-21. Review status: criteria provided, single submitter. Criteria: Invitae Variant Classification Sherloc (09022015). Collection method: clinical testing. Allele origin: germline.
Comment: This sequence change replaces glutamic acid, which is acidic and polar, with lysine, which is basic and polar, at codon 226 of the IGF1R protein (p.Glu226Lys). This variant is present in population databases (rs752189789, gnomAD 0.01%). This variant has not been reported in the literature in individuals affected with IGF1R-related conditions. Advanced modeling of protein sequence and biophysical properties (such as structural, functional, and spatial information, amino acid conservation, physicochemical variation, residue mobility, and thermodynamic stability) performed at Invitae indicates that this missense variant is not expected to disrupt IGF1R protein function with a negative predictive value of 80%. In summary, the available evidence is currently insufficient to determine the role of this variant in disease. Therefore, it has been classified as a Variant of Uncertain Significance.